The following is an entry in ClinVar:

NM_024577.4(SH3TC2):c.2514C>G (p.Ile838Met)

Gene: SH3TC2 (SH3 domain and tetratricopeptide repeats 2; minus strand). Cytogenetic location: 5q32.
Variant type: single nucleotide variant.
Coding change: c.2514C>G on transcript NM_024577.4 (MANE Select); coding-DNA position 2514, C replaced by G.
Protein change: p.Ile838Met; replaces isoleucine 838 with methionine.
Molecular consequence: missense variant.
Genome position (GRCh38, 1-based): chr5:149,027,218, G>C on the plus strand (C>G on the coding strand, the complement: SH3TC2 is on the minus strand). VCF-style: chr5-149027218-G-C. GRCh37 (hg19) VCF-style: chr5-148406781-G-C.
Other names: short protein forms I838M.
Identifiers: ClinVar variation 1792439 (VCV001792439.2), dbSNP rs775155644, ClinGen allele CA361666211.

ClinVar aggregate classification (germline): Uncertain significance (1 of 4 stars; one submission).

Conditions:
Inborn genetic diseases. Identifiers: MedGen C0950123, MeSH D030342.

Allele frequency attached by ClinVar (database versions not stated): gnomAD 0.00001.
gnomAD v4.1: 1 of 1,614,100 alleles (0.000062%); highest among the groups gnomAD compares: East Asian, 0.0022%; no homozygotes.

Submission:

Ambry Genetics
Classification: Uncertain significance for Inborn genetic diseases. Last evaluated: 2019-09-26. Review status: criteria provided, single submitter. Criteria: Ambry Variant Classification Scheme 2023. Collection method: clinical testing. Allele origin: germline.
Comment: The p.I838M variant (also known as c.2514C>G), located in coding exon 11 of the SH3TC2 gene, results from a C to G substitution at nucleotide position 2514. The isoleucine at codon 838 is replaced by methionine, an amino acid with highly similar properties. This amino acid position is not well conserved in available vertebrate species. In addition, the in silico prediction for this alteration is inconclusive. Since supporting evidence is limited at this time, the clinical significance of this alteration remains unclear.